The following is an entry in ClinVar:

ClinVar aggregate classification (germline): Uncertain significance (1 of 4 stars; one submission).

gnomAD v4.1: 1 of 1,202,969 alleles (0.000083%); highest among the groups gnomAD compares: Non-Finnish European, 0.00011%; no homozygotes.

Submission:

GeneDx
Classification: Uncertain significance. Last evaluated: 2023-08-11. Review status: criteria provided, single submitter. Criteria: GeneDx Variant Classification Process June 2021. Collection method: clinical testing. Allele origin: germline. Affected: yes.
Comment: Has not been previously published as pathogenic or benign to our knowledge; Not observed at significant frequency in large population cohorts (gnomAD); In silico analysis supports that this missense variant has a deleterious effect on protein structure/function

NM_006950.3(SYN1):c.1076C>T (p.Thr359Met)

Gene: SYN1 (synapsin I; minus strand). Cytogenetic location: Xp11.3.
Variant type: single nucleotide variant.
Coding change: c.1076C>T on transcript NM_006950.3 (MANE Select); coding-DNA position 1076, C replaced by T.
Protein change: p.Thr359Met; replaces threonine 359 with methionine.
Molecular consequence: missense variant.
Genome position (GRCh38, 1-based): chrX:47,576,213, G>A on the plus strand (C>T on the coding strand, the complement: SYN1 is on the minus strand). VCF-style: chrX-47576213-G-A. GRCh37 (hg19) VCF-style: chrX-47435612-G-A.
Other names: c.1076C>T, p.Thr359Met (NM_133499.2); short protein forms T359M.
Identifiers: ClinVar variation 3253515 (VCV003253515.1), dbSNP rs765183335.
Genomic context (GRCh38, chrX:47,576,213, plus strand): 5'-TCCTTGCCATGTAGCGCTTCCACTGCGCAGATGTCCAGTCCCCCAAAAATCTCTGAGCAC[G>A]TGTCCACCCACAGCTTGTATCTGCCAAGACAAAGGGTGGGGAAGCCTGTCAGTCTCTCAC-3'
Protein context (NP_008881.2, residues 349-369): MSDRYKLWVD[Thr359Met]CSEIFGGLDI